The following is an entry in ClinVar:

ClinVar aggregate classification (germline): Uncertain significance (1 of 4 stars; one submission).

gnomAD v4.1: 7 of 1,613,880 alleles (0.00043%); highest among the groups gnomAD compares: Admixed American, 0.0083%; no homozygotes.

Submission:

Labcorp Genetics (formerly Invitae), Labcorp
Classification: Uncertain significance. Last evaluated: 2025-01-06. Review status: criteria provided, single submitter. Criteria: Invitae Variant Classification Sherloc (09022015). Collection method: clinical testing. Allele origin: germline.
Comment: This sequence change replaces glutamic acid, which is acidic and polar, with glutamine, which is neutral and polar, at codon 215 of the SHPK protein (p.Glu215Gln). This variant is present in population databases (rs150857, gnomAD 0.006%). This variant has not been reported in the literature in individuals affected with SHPK-related conditions. An algorithm developed to predict the effect of missense changes on protein structure and function (PolyPhen-2) suggests that this variant is likely to be tolerated. In summary, the available evidence is currently insufficient to determine the role of this variant in disease. Therefore, it has been classified as a Variant of Uncertain Significance.

NM_013276.4(SHPK):c.643G>C (p.Glu215Gln)

Gene: SHPK (sedoheptulokinase; minus strand). Cytogenetic location: 17p13.2.
Variant type: single nucleotide variant.
Coding change: c.643G>C on transcript NM_013276.4 (MANE Select); coding-DNA position 643, G replaced by C.
Protein change: p.Glu215Gln; replaces glutamic acid 215 with glutamine.
Molecular consequence: missense variant.
Genome position (GRCh38, 1-based): chr17:3,623,343, C>G on the plus strand (G>C on the coding strand, the complement: SHPK is on the minus strand). VCF-style: chr17-3623343-C-G. GRCh37 (hg19) VCF-style: chr17-3526637-C-G.
Other names: short protein forms E215Q.
Identifiers: ClinVar variation 3714158 (VCV003714158.2).